The following is an entry in ClinVar:

NM_004646.4(NPHS1):c.2171_2172dup (p.Glu725fs)

Gene: NPHS1 (NPHS1 adhesion molecule, nephrin; minus strand). Cytogenetic location: 19q13.12.
Variant type: Microsatellite.
Coding change: c.2171_2172dup on transcript NM_004646.4 (MANE Select); coding-DNA positions 2171 to 2172, 2 bases duplicated (CT; older notation c.2171_2172dupCT).
Protein change: p.Glu725fs; shifts the reading frame from glutamic acid 725.
Molecular consequence: frameshift variant.
Genome position (GRCh38, 1-based): chr19:35,844,143-35,844,144, AG duplicated on the plus strand (CT on the coding strand, the reverse complement: NPHS1 is on the minus strand); duplicating any 2 consecutive bases within chr19:35,844,143-35,844,146 gives the same sequence; the c. name uses the placement nearest the transcript's 3' end. VCF-style (leftmost placement, unchanged base first): chr19-35844142-C-CAG. GRCh37 (hg19) VCF-style: chr19-36335044-C-CAG.
Other names: c.2171_2172dup (NM_004646.3); c.2169_2170CT[3], p.Glu725Leufs (NM_004646.3); short protein forms E725fs.
Identifiers: ClinVar variation 4815382 (VCV004815382.1).

ClinVar aggregate classification (germline): Likely pathogenic (1 of 4 stars; one submission).

Conditions:
Finnish congenital nephrotic syndrome (NPHS1). Also called: NEPHROTIC SYNDROME, TYPE 1. Identifiers: Orphanet 839, MedGen C0403399, MONDO:0009732, OMIM 256300.

Submission:

Natera, Inc.
Classification: Likely pathogenic for Finnish congenital nephrotic syndrome. Last evaluated: 2024-05-06. Review status: criteria provided, single submitter. Criteria: Natera Variant Classification Schema (03/2026). Collection method: clinical testing. Allele origin: germline.
Comment: The c.2171_2172dup variant in NPHS1 is a frameshift variant predicted to shift the reading frame beginning at codon 725 and leads to a stop codon 28 codons downstream. This variant is expected to result in nonsense mediated decay, truncation, or a dysfunctional protein product. This variant is rare in the general population with a frequency below the threshold expected for the associated phenotype(s). Given the available evidence, this variant is classified as Likely Pathogenic.